The following is an entry in ClinVar:

ClinVar aggregate classification (germline): Benign. Review status: criteria provided, single submitter (1 of 4 stars). 2 submissions from 2 submitters: Benign (1). 1 of the submissions does not count toward it. Last evaluated 2023-09-01.

Conditions:
DHX30-related disorder. Also called: DHX30-related condition.

Allele frequency attached by ClinVar (database versions not stated): 1000 Genomes Project 0.00040; 1000 Genomes Project 30x 0.00047; gnomAD exomes 0.00060; gnomAD 0.00066; ESP Exome Variant Server 0.00077; TOPMed 0.00083; ExAC 0.00101.
gnomAD v4.1: 1,055 of 1,614,082 alleles (0.065%); highest among the groups gnomAD compares: Middle Eastern, 0.049%; 6 homozygotes.

Submissions (2):

CeGaT Center for Human Genetics Tuebingen
Classification: Benign. Last evaluated: 2023-09-01. Review status: criteria provided, single submitter. Criteria: CeGaT Center For Human Genetics Tuebingen Variant Classification Criteria Version 2. Collection method: clinical testing. Allele origin: germline. Affected: yes. Observed: 2 variant alleles.
Comment: DHX30: BP4, BS1, BS2

PreventionGenetics, part of Exact Sciences
Classification: Benign for DHX30-related condition. Last evaluated: 2019-06-25. Review status: no assertion criteria provided. Collection method: clinical testing. Allele origin: germline. Not counted in ClinVar's aggregate classification.
Comment: This variant is classified as benign based on ACMG/AMP sequence variant interpretation guidelines (Richards et al. 2015 PMID: 25741868, with internal and published modifications).

NM_138615.3(DHX30):c.3192-3T>C

Genes: DHX30 (DExH-box helicase 30; plus strand), MIR1226 (microRNA 1226; plus strand). Cytogenetic location: 3p21.31.
Variant type: single nucleotide variant.
Coding change: c.3192-3T>C on transcript NM_138615.3 (MANE Select); 3 bases into the intron before coding-DNA position 3192, T replaced by C.
Molecular consequence: intron variant. On other transcripts: non-coding transcript variant (1).
Genome position (GRCh38, 1-based): chr3:47,849,627, T>C. VCF-style: chr3-47849627-T-C. GRCh37 (hg19) VCF-style: chr3-47891117-T-C.
Other names: c.3108-3T>C (NM_001330990.2); c.3075-3T>C (NM_014966.4); c.3192-3T>C (NM_138615.2).
Identifiers: ClinVar variation 2653781 (VCV002653781.25), dbSNP rs141645399, ClinGen allele CA2370344.